The following is an entry in ClinVar:

NM_001386140.1(MTTP):c.563T>C (p.Ile188Thr)

Gene: MTTP (microsomal triglyceride transfer protein; plus strand). Cytogenetic location: 4q23.
Variant type: single nucleotide variant.
Coding change: c.563T>C on transcript NM_001386140.1 (MANE Select); coding-DNA position 563, T replaced by C.
Protein change: p.Ile188Thr; replaces isoleucine 188 with threonine.
Molecular consequence: missense variant.
Genome position (GRCh38, 1-based): chr4:99,591,296, T>C. VCF-style: chr4-99591296-T-C. GRCh37 (hg19) VCF-style: chr4-100512453-T-C.
Other names: c.563T>C, p.Ile188Thr (NM_000253.4); c.314T>C, p.Ile105Thr (NM_001300785.2); short protein forms I188T, I105T.
Identifiers: ClinVar variation 1473766 (VCV001473766.6), dbSNP rs2110218344, ClinGen allele CA357504485.

ClinVar aggregate classification (germline): Uncertain significance (1 of 4 stars; one submission).

Submission:

Labcorp Genetics (formerly Invitae), Labcorp
Classification: Uncertain significance. Last evaluated: 2021-07-29. Review status: criteria provided, single submitter. Criteria: Invitae Variant Classification Sherloc (09022015). Collection method: clinical testing. Allele origin: germline.
Comment: In summary, the available evidence is currently insufficient to determine the role of this variant in disease. Therefore, it has been classified as a Variant of Uncertain Significance. Algorithms developed to predict the effect of missense changes on protein structure and function output the following: SIFT: "Tolerated"; PolyPhen-2: "Benign"; Align-GVGD: "Class C0". The threonine amino acid residue is found in multiple mammalian species, which suggests that this missense change does not adversely affect protein function. This variant has not been reported in the literature in individuals affected with MTTP-related conditions. This variant is not present in population databases (ExAC no frequency). This sequence change replaces isoleucine with threonine at codon 188 of the MTTP protein (p.Ile188Thr). The isoleucine residue is moderately conserved and there is a moderate physicochemical difference between isoleucine and threonine.